The following is an entry in ClinVar:

ClinVar aggregate classification (germline): Uncertain significance. Review status: criteria provided, multiple submitters, no conflicts (2 of 4 stars). 2 submissions from 2 submitters: Uncertain significance (2). Last evaluated 2025-11-03.

Allele frequency attached by ClinVar (database versions not stated): gnomAD 0.00001; gnomAD exomes 0.00001; ExAC 0.00002; TOPMed 0.00003.
gnomAD v4.1: 9 of 1,613,818 alleles (0.00056%); highest among the groups gnomAD compares: Middle Eastern, 0.016%; no homozygotes.

Submissions (2):

Ambry Genetics
Classification: Uncertain significance. Last evaluated: 2025-11-03. Review status: criteria provided, single submitter. Criteria: Ambry Variant Classification Scheme 2023. Collection method: clinical testing. Allele origin: germline.

Labcorp Genetics (formerly Invitae), Labcorp
Classification: Uncertain significance. Last evaluated: 2024-05-15. Review status: criteria provided, single submitter. Criteria: Invitae Variant Classification Sherloc (09022015). Collection method: clinical testing. Allele origin: germline.
Comment: This sequence change replaces alanine, which is neutral and non-polar, with threonine, which is neutral and polar, at codon 891 of the PLXNA2 protein (p.Ala891Thr). This variant is present in population databases (rs769622910, gnomAD 0.0009%). This variant has not been reported in the literature in individuals affected with PLXNA2-related conditions. Advanced modeling of protein sequence and biophysical properties (such as structural, functional, and spatial information, amino acid conservation, physicochemical variation, residue mobility, and thermodynamic stability) performed at Invitae indicates that this missense variant is not expected to disrupt PLXNA2 protein function with a negative predictive value of 80%. In summary, the available evidence is currently insufficient to determine the role of this variant in disease. Therefore, it has been classified as a Variant of Uncertain Significance.

NM_025179.4(PLXNA2):c.2671G>A (p.Ala891Thr)

Gene: PLXNA2 (plexin A2; minus strand). Cytogenetic location: 1q32.2.
Variant type: single nucleotide variant.
Coding change: c.2671G>A on transcript NM_025179.4 (MANE Select); coding-DNA position 2671, G replaced by A.
Protein change: p.Ala891Thr; replaces alanine 891 with threonine.
Molecular consequence: missense variant.
Genome position (GRCh38, 1-based): chr1:208,060,753, C>T on the plus strand (G>A on the coding strand, the complement: PLXNA2 is on the minus strand). VCF-style: chr1-208060753-C-T. GRCh37 (hg19) VCF-style: chr1-208234098-C-T.
Other names: c.2671G>A (NM_025179.3); short protein forms A891T.
Identifiers: ClinVar variation 2888397 (VCV002888397.4), dbSNP rs769622910, ClinGen allele CA1373441.